The following is an entry in ClinVar:

NM_001003800.2(BICD2):c.638A>G (p.Lys213Arg)

Gene: BICD2 (BICD cargo adaptor 2; minus strand). Cytogenetic location: 9q22.31.
Variant type: single nucleotide variant.
Coding change: c.638A>G on transcript NM_001003800.2 (MANE Select); coding-DNA position 638, A replaced by G.
Protein change: p.Lys213Arg; replaces lysine 213 with arginine.
Molecular consequence: missense variant.
Genome position (GRCh38, 1-based): chr9:92,720,724, T>C on the plus strand (A>G on the coding strand, the complement: BICD2 is on the minus strand). VCF-style: chr9-92720724-T-C. GRCh37 (hg19) VCF-style: chr9-95483006-T-C.
Other names: c.638A>G, p.Lys213Arg (NM_015250.4); short protein forms K213R.
Identifiers: ClinVar variation 453157 (VCV000453157.18), dbSNP rs755962512, ClinGen allele CA5126753.

ClinVar aggregate classification (germline): Conflicting classifications of pathogenicity. Review status: criteria provided, conflicting classifications (1 of 4 stars). 5 submissions from 5 submitters: Uncertain significance (4); Likely benign (1). Last evaluated 2025-04-28.

Conditions:
Inborn genetic diseases. Identifiers: MedGen C0950123, MeSH D030342.
Autosomal dominant childhood-onset proximal spinal muscular atrophy with contractures (SMALED2A). Also called: Spinal muscular atrophy, lower extremity-predominant, 2A, autosomal dominant; SPINAL MUSCULAR ATROPHY, LOWER EXTREMITY-PREDOMINANT, 2A, CHILDHOOD ONSET, AUTOSOMAL DOMINANT. Identifiers: Orphanet 363447, Orphanet 363454, MedGen C4747715, MONDO:0014121, OMIM 615290.

Allele frequency attached by ClinVar (database versions not stated): TOPMed 0.00001; gnomAD 0.00002 and 0.00003; gnomAD exomes 0.00002 and 0.00003; ExAC 0.00003.
gnomAD v4.1: 42 of 1,613,984 alleles (0.0026%); highest among the groups gnomAD compares: Non-Finnish European, 0.0031%; no homozygotes.

Submissions (5):

Labcorp Genetics (formerly Invitae), Labcorp
Classification: Likely benign for Autosomal dominant childhood-onset proximal spinal muscular atrophy with contractures. Last evaluated: 2025-04-28. Review status: criteria provided, single submitter. Criteria: Invitae Variant Classification Sherloc (09022015). Collection method: clinical testing. Allele origin: germline.

Ambry Genetics
Classification: Uncertain significance for Inborn genetic diseases. Last evaluated: 2025-04-24. Review status: criteria provided, single submitter. Criteria: Ambry Variant Classification Scheme 2023. Collection method: clinical testing. Allele origin: germline.

Revvity Omics, Revvity
Classification: Uncertain significance. Last evaluated: 2023-12-05. Review status: criteria provided, single submitter. Criteria: ACMG Guidelines, 2015. Collection method: clinical testing. Allele origin: germline.

Centre for Mendelian Genomics, University Medical Centre Ljubljana
Classification: Uncertain significance for Autosomal dominant childhood-onset proximal spinal muscular atrophy with contractures. Last evaluated: 2019-03-21. Review status: criteria provided, single submitter. Criteria: ACMG Guidelines, 2015. Collection method: clinical testing. Allele origin: unknown. Affected: yes.
Comment: This variant was classified as: Uncertain significance. The available evidence on this variant's pathogenicity is insufficient or conflicting. The following ACMG criteria were applied in classifying this variant: No criteria apply.

GeneDx
Classification: Uncertain significance. Last evaluated: 2017-10-30. Review status: criteria provided, single submitter. Criteria: GeneDx Variant Classification (06012015). Collection method: clinical testing. Allele origin: germline. Affected: yes.
Comment: The K213R variant has not been published as a pathogenic variant, nor has it been reported as a benign variant to our knowledge. The K213R variant is observed in 2/30,780 (0.01%) alleles from individuals of South Asian background (Lek et al., 2016). This variant is a conservative amino acid substitution, which is not likely to impact secondary protein structure as these residues share similar properties. This substitution occurs at a position where amino acids with similar properties to Lysine are tolerated across species. In silico analysis is inconsistent in its predictions as to whether or not the variant is damaging to the protein structure/function.